The following is an entry in ClinVar:

ClinVar aggregate classification (germline): Uncertain significance (1 of 4 stars; one submission).

Conditions:
Ehlers-Danlos syndrome, classic type, 1 (EDSCL1). Also called: EHLERS-DANLOS SYNDROME, GRAVIS TYPE; EHLERS-DANLOS SYNDROME, SEVERE CLASSIC TYPE; Ehlers-Danlos syndrome, type 1; Ehlers-Danlos Syndrome, Classic Type, COL5A1-Related; EDS I. Identifiers: MedGen C0268335, MONDO:0019567, OMIM 130000.
Osteogenesis imperfecta type I (OI1). Also called: OI, TYPE I; OSTEOGENESIS IMPERFECTA TARDA; OSTEOGENESIS IMPERFECTA WITH BLUE SCLERAE; Osteogenesis imperfecta type 1; Lobstein's Disease; Lobstein disease. Identifiers: Orphanet 216796, Orphanet 666, MedGen C0023931, MONDO:0008146, OMIM 166200. Disease mechanism: loss of function.

Allele frequency attached by ClinVar (database versions not stated): gnomAD exomes below 0.00001.
gnomAD v4.1: 2 of 1,612,404 alleles (0.00012%); highest among the groups gnomAD compares: African/African-American, 0.0013%; no homozygotes.

Submission:

Labcorp Genetics (formerly Invitae), Labcorp
Classification: Uncertain significance for Osteogenesis imperfecta type I; Ehlers-Danlos syndrome, classic type, 1. Last evaluated: 2023-08-04. Review status: criteria provided, single submitter. Criteria: Invitae Variant Classification Sherloc (09022015). Collection method: clinical testing. Allele origin: germline.
Comment: This variant has not been reported in the literature in individuals affected with COL1A2-related conditions. ClinVar contains an entry for this variant (Variation ID: 1421122). Variants that disrupt the consensus splice site are a relatively common cause of aberrant splicing (PMID: 17576681, 9536098). Algorithms developed to predict the effect of sequence changes on RNA splicing suggest that this variant is not likely to affect RNA splicing. In summary, the available evidence is currently insufficient to determine the role of this variant in disease. Therefore, it has been classified as a Variant of Uncertain Significance. This variant is not present in population databases (gnomAD no frequency). This sequence change falls in intron 13 of the COL1A2 gene. It does not directly change the encoded amino acid sequence of the COL1A2 protein. It affects a nucleotide within the consensus splice site.

Literature cited by the submitters: PubMed 17576681; PubMed 9536098.

NM_000089.4(COL1A2):c.639+3A>G

Gene: COL1A2 (collagen type I alpha 2 chain; plus strand). Cytogenetic location: 7q21.3.
Variant type: single nucleotide variant.
Coding change: c.639+3A>G on transcript NM_000089.4 (MANE Select); 3 bases into the intron after coding-DNA position 639, A replaced by G.
Molecular consequence: intron variant.
Genome position (GRCh38, 1-based): chr7:94,407,894, A>G. VCF-style: chr7-94407894-A-G. GRCh37 (hg19) VCF-style: chr7-94037206-A-G.
Identifiers: ClinVar variation 1421122 (VCV001421122.9), dbSNP rs2115886901, ClinGen allele CA2573142432.